The following is an entry in ClinVar:

ClinVar aggregate classification (germline): Uncertain significance (1 of 4 stars; one submission).

Submission:

GeneDx
Classification: Uncertain significance. Last evaluated: 2019-12-13. Review status: criteria provided, single submitter. Criteria: GeneDx Variant Classification Process June 2021. Collection method: clinical testing. Allele origin: germline. Affected: yes.
Comment: Not observed in large population cohorts (Lek et al., 2016); Frameshift variant predicted to result in protein truncation as the last 56 amino acids are lost and replaced with 50 incorrect amino acids, although loss-of-function variants have not been reported downstream of this position in the protein; Has not been previously published as pathogenic or benign to our knowledge

NM_001003694.2(BRPF1):c.3492dup (p.Arg1165fs)

Gene: BRPF1 (bromodomain and PHD finger containing 1; plus strand). Cytogenetic location: 3p25.3.
Variant type: Duplication.
Coding change: c.3492dup on transcript NM_001003694.2 (MANE Select); coding-DNA position 3492, one base duplicated (C; older notation c.3492dupC).
Protein change: p.Arg1165fs; shifts the reading frame from arginine 1165.
Molecular consequence: frameshift variant. On other transcripts: non-coding transcript variant (1).
Genome position (GRCh38, 1-based): chr3:9,747,178, C duplicated; the last of 3 consecutive C bases (chr3:9,747,176-9,747,178); duplicating any one gives the same sequence. VCF-style (leftmost placement, unchanged base first): chr3-9747175-G-GC. GRCh37 (hg19) VCF-style: chr3-9788859-G-GC.
Other names: c.3189dup, p.Arg1064fs (NM_001319049.2); c.3471dup, p.Arg1158fs (NM_001319050.2); c.3474dup, p.Arg1159fs (NM_004634.3); short protein forms R1064fs, R1158fs, R1159fs, R1165fs.
Identifiers: ClinVar variation 1310287 (VCV001310287.2), dbSNP rs2125517873, ClinGen allele CA2573052258.